The following is an entry in ClinVar:

ClinVar aggregate classification (germline): Benign (1 of 4 stars; one submission).

Conditions:
Neuropathy, hereditary sensory and autonomic, type 1C. Also called: HSAN IC; HSN IC. Identifiers: Orphanet 36386, MedGen C3150896, MONDO:0013337, OMIM 613640.

Allele frequency attached by ClinVar (database versions not stated): gnomAD 0.00001 and 0.00029; TOPMed 0.00008; 1000 Genomes Project 0.00140; 1000 Genomes Project 30x 0.00156.

Submission:

Illumina Laboratory Services, Illumina
Classification: Benign for Neuropathy, hereditary sensory and autonomic, type 1C. Last evaluated: 2018-01-13. Review status: criteria provided, single submitter. Criteria: ICSL Variant Classification Criteria 13 December 2019. Collection method: clinical testing. Allele origin: germline.
Comment: This variant was observed in the ICSL laboratory as part of a predisposition screen in an ostensibly healthy population. It had not been previously curated by ICSL or reported in the Human Gene Mutation Database (HGMD: prior to June 1st, 2018), and was therefore a candidate for classification through an automated scoring system. Utilizing variant allele frequency, disease prevalence and penetrance estimates, and inheritance mode, an automated score was calculated to assess if this variant is too frequent to cause the disease. Based on the score and internal cut-off values, a variant classified as benign is not then subjected to further curation. The score for this variant resulted in a classification of benign for this disease.

NM_004863.4(SPTLC2):c.*6253T>C

Gene: SPTLC2 (serine palmitoyltransferase long chain base subunit 2; minus strand). Cytogenetic location: 14q24.3.
Variant type: single nucleotide variant.
Coding change: c.*6253T>C on transcript NM_004863.4 (MANE Select); 6253 bases downstream of the stop codon, T replaced by C.
Molecular consequence: 3 prime UTR variant.
Genome position (GRCh38, 1-based): chr14:77,506,031, A>G on the plus strand (T>C on the coding strand, the complement: SPTLC2 is on the minus strand). VCF-style: chr14-77506031-A-G. GRCh37 (hg19) VCF-style: chr14-77972374-A-G.
Identifiers: ClinVar variation 314570 (VCV000314570.5), dbSNP rs370412771, ClinGen allele CA10645048.